The following is an entry in ClinVar:

NM_020717.5(SHROOM4):c.4303G>T (p.Val1435Leu)

Gene: SHROOM4 (shroom family member 4; minus strand). Cytogenetic location: Xp11.22.
Variant type: single nucleotide variant.
Coding change: c.4303G>T on transcript NM_020717.5 (MANE Select); coding-DNA position 4303, G replaced by T.
Protein change: p.Val1435Leu; replaces valine 1435 with leucine.
Molecular consequence: missense variant. On other transcripts: non-coding transcript variant (4).
Genome position (GRCh38, 1-based): chrX:50,596,874, C>A on the plus strand (G>T on the coding strand, the complement: SHROOM4 is on the minus strand). VCF-style: chrX-50596874-C-A. GRCh37 (hg19) VCF-style: chrX-50339874-C-A.
Other names: short protein forms V1435L.
Identifiers: ClinVar variation 453008 (VCV000453008.2), dbSNP rs1557246776, ClinGen allele CA413099285.
Genomic context (GRCh38, chrX:50,596,874, plus strand): 5'-CAAAGTGCTGGTAATCTTGGAGCTGGTCCTGAGGCAGGTAGCGGGAGACCATGCCAAACA[C>A]CAACTTCTCCCGGCGGTCCACGTGCTCCTTCAGCTCCTTGGCATCTGCCAACTGCCCCGT-3'
Protein context (NP_065768.2, residues 1425-1445): KEHVDRREKL[Val1435Leu]FGMVSRYLPQ

ClinVar aggregate classification (germline): Uncertain significance (1 of 4 stars; one submission).

Allele frequency attached by ClinVar (database versions not stated): gnomAD exomes below 0.00001.
gnomAD v4.1: 2 of 1,211,246 alleles (0.00017%); highest among the groups gnomAD compares: Non-Finnish European, 0.00022%; no homozygotes.

Submission:

GeneDx
Classification: Uncertain significance. Last evaluated: 2017-10-30. Review status: criteria provided, single submitter. Criteria: GeneDx Variant Classification (06012015). Collection method: clinical testing. Allele origin: germline. Affected: yes.
Comment: The V1435L variant in the SHROOM4 gene has not been reported previously as a pathogenic variant, nor as a benign variant, to our knowledge. The V1435L variant is not observed in large population cohorts (Lek et al., 2016). The V1435L variant is a conservative amino acid substitution, which is not likely to impact secondary protein structure as these residues share similar properties. This substitution occurs at a position that is conserved across species. In silico analysis predicts this variant is probably damaging to the protein structure/function. We interpret V1435L as a variant of uncertain significance